The following is an entry in ClinVar:

NM_000138.5(FBN1):c.3964+1G>A

Gene: FBN1 (fibrillin 1; minus strand). Cytogenetic location: 15q21.1.
Variant type: single nucleotide variant.
Coding change: c.3964+1G>A on transcript NM_000138.5 (MANE Select); the canonical splice donor site of the intron after coding-DNA position 3964, G replaced by A.
Molecular consequence: splice donor variant.
Genome position (GRCh38, 1-based): chr15:48,481,654, C>T on the plus strand (G>A on the coding strand, the complement: FBN1 is on the minus strand). VCF-style: chr15-48481654-C-T. GRCh37 (hg19) VCF-style: chr15-48773851-C-T.
Other names: c.3964+1G>A (NM_001406716.1).
Identifiers: ClinVar variation 200028 (VCV000200028.3), dbSNP rs794728212, ClinGen allele CA014635.

ClinVar aggregate classification (germline): Pathogenic/Likely pathogenic. Review status: criteria provided, multiple submitters, no conflicts (2 of 4 stars). 2 submissions from 2 submitters: Pathogenic (1); Likely pathogenic (1). Last evaluated 2024-07-26.

Conditions:
FBN1-related disorder. Also called: FBN1-related disorders.

Submissions (2):

Blueprint Genetics
Classification: Likely pathogenic for FBN1-related disorders. Last evaluated: 2024-07-26. Review status: criteria provided, single submitter. Criteria: ACMG Guidelines, 2015. Collection method: clinical testing. Allele origin: germline. Affected: yes. Observed: 1 variant allele.

GeneDx
Classification: Pathogenic. Last evaluated: 2014-03-30. Review status: criteria provided, single submitter. Criteria: GeneDx Variant Classification (06012015). Collection method: clinical testing. Allele origin: germline. Affected: yes.
Comment: This mutation destroys the canonical splice donor site in intron 32 and is predicted to cause abnormal gene splicing. The mutation is predicted to lead to either an abnormal message that is subject to nonsense-mediated mRNA decay or to an abnormal protein product if the message is used for protein translation. Other splice site mutations in the FBN1 gene have been reported in association with Marfan syndrome and other FBN1-related disorders. In summary, c.3964+1 G>A in the FBN1 gene is interpreted as a disease-causing mutation. The variant is found in TAAD panel(s).